The following is an entry in ClinVar:

ClinVar aggregate classification (germline): Uncertain significance (1 of 4 stars; one submission).

Submission:

Labcorp Genetics (formerly Invitae), Labcorp
Classification: Uncertain significance. Last evaluated: 2022-07-09. Review status: criteria provided, single submitter. Criteria: Invitae Variant Classification Sherloc (09022015). Collection method: clinical testing. Allele origin: germline.
Comment: This variant has not been reported in the literature in individuals affected with MCM3AP-related conditions. This variant is not present in population databases (gnomAD no frequency). This sequence change creates a premature translational stop signal (p.Ser1922Ilefs*5) in the MCM3AP gene. While this is not anticipated to result in nonsense mediated decay, it is expected to disrupt the last 59 amino acid(s) of the MCM3AP protein. Experimental studies and prediction algorithms are not available or were not evaluated, and the functional significance of this variant is currently unknown. In summary, the available evidence is currently insufficient to determine the role of this variant in disease. Therefore, it has been classified as a Variant of Uncertain Significance.

NM_003906.5(MCM3AP):c.5762dup (p.Ser1922fs)

Genes: MCM3AP (minichromosome maintenance complex component 3 associated protein; minus strand), MCM3AP-AS1 (MCM3AP antisense RNA 1; plus strand). Cytogenetic location: 21q22.3.
Variant type: Duplication.
Coding change: c.5762dup on transcript NM_003906.5 (MANE Select); coding-DNA position 5762, one base duplicated (C; older notation c.5762dupC).
Protein change: p.Ser1922fs; shifts the reading frame from serine 1922.
Molecular consequence: frameshift variant.
Genome position (GRCh38, 1-based): chr21:46,236,851, G duplicated on the plus strand (C on the coding strand, the reverse complement: MCM3AP is on the minus strand). VCF-style (leftmost placement, unchanged base first): chr21-46236850-T-TG. GRCh37 (hg19) VCF-style: chr21-47656764-T-TG.
Other names: short protein forms S1922fs.
Identifiers: ClinVar variation 2015530 (VCV002015530.4), dbSNP rs2517282391, ClinGen allele CA2580098955.